The following is an entry in ClinVar:

NM_005076.5(CNTN2):c.854C>T (p.Thr285Ile)

Gene: CNTN2 (contactin 2; plus strand). Cytogenetic location: 1q32.1.
Variant type: single nucleotide variant.
Coding change: c.854C>T on transcript NM_005076.5 (MANE Select); coding-DNA position 854, C replaced by T.
Protein change: p.Thr285Ile; replaces threonine 285 with isoleucine.
Molecular consequence: missense variant. On other transcripts: non-coding transcript variant (1).
Genome position (GRCh38, 1-based): chr1:205,061,301, C>T. VCF-style: chr1-205061301-C-T. GRCh37 (hg19) VCF-style: chr1-205030429-C-T.
Other names: c.854C>T, p.Thr285Ile (NM_001346083.2); short protein forms T285I.
Identifiers: ClinVar variation 864153 (VCV000864153.8), dbSNP rs772963027, ClinGen allele CA1351178.

ClinVar aggregate classification (germline): Uncertain significance (1 of 4 stars; one submission).

Conditions:
Epilepsy, familial adult myoclonic, 5 (EPEO5). Also called: CORTICAL MYOCLONIC TREMOR WITH EPILEPSY, FAMILIAL, 5. Identifiers: Orphanet 86814, MedGen C3809374, MONDO:0014167, OMIM 615400.

Allele frequency attached by ClinVar (database versions not stated): gnomAD exomes below 0.00001 and 0.00002; ExAC 0.00001.
gnomAD v4.1: 7 of 1,614,144 alleles (0.00043%); highest among the groups gnomAD compares: Admixed American, 0.0083%; no homozygotes.

Submission:

Labcorp Genetics (formerly Invitae), Labcorp
Classification: Uncertain significance for Epilepsy, familial adult myoclonic, 5. Last evaluated: 2022-11-08. Review status: criteria provided, single submitter. Criteria: Invitae Variant Classification Sherloc (09022015). Collection method: clinical testing. Allele origin: germline.
Comment: In summary, the available evidence is currently insufficient to determine the role of this variant in disease. Therefore, it has been classified as a Variant of Uncertain Significance. Advanced modeling of protein sequence and biophysical properties (such as structural, functional, and spatial information, amino acid conservation, physicochemical variation, residue mobility, and thermodynamic stability) performed at Invitae indicates that this missense variant is not expected to disrupt CNTN2 protein function. ClinVar contains an entry for this variant (Variation ID: 864153). This variant has not been reported in the literature in individuals affected with CNTN2-related conditions. This variant is present in population databases (rs772963027, gnomAD 0.01%). This sequence change replaces threonine, which is neutral and polar, with isoleucine, which is neutral and non-polar, at codon 285 of the CNTN2 protein (p.Thr285Ile).